The following is an entry in ClinVar:

NM_003742.4(ABCB11):c.2561del (p.Pro854fs)

Gene: ABCB11 (ATP binding cassette subfamily B member 11; minus strand). Cytogenetic location: 2q31.1.
Variant type: Deletion.
Coding change: c.2561del on transcript NM_003742.4 (MANE Select); coding-DNA position 2561, one base deleted (C; older notation c.2561delC).
Protein change: p.Pro854fs; shifts the reading frame from proline 854.
Molecular consequence: frameshift variant.
Genome position (GRCh38, 1-based): chr2:168,944,654, G deleted on the plus strand (C on the coding strand, the reverse complement: ABCB11 is on the minus strand); the first of 3 consecutive G bases (chr2:168,944,654-168,944,656); deleting any one gives the same sequence. VCF-style (leftmost placement, unchanged base first): chr2-168944653-AG-A. GRCh37 (hg19) VCF-style: chr2-169801163-AG-A.
Other names: short protein forms P854fs.
Identifiers: ClinVar variation 1408853 (VCV001408853.6), dbSNP rs2105912281, ClinGen allele CA2573133644.
Genomic context (GRCh38, chr2:168,944,653, plus strand): 5'-CCCATAGCTCACCCCTTGAACTTGGGAAGCATCTGTAGCAAGTCTTGTTGTCAATGCTCC[AG>A]GGCTATTTCTGAGGTCATCAAACCAGGCAATATCTTGCCCCAGCATTGCCCTGAAACCAA-3'

ClinVar aggregate classification (germline): Pathogenic (1 of 4 stars; one submission).

Submission:

Labcorp Genetics (formerly Invitae), Labcorp
Classification: Pathogenic. Last evaluated: 2021-12-02. Review status: criteria provided, single submitter. Criteria: Invitae Variant Classification Sherloc (09022015). Collection method: clinical testing. Allele origin: germline.
Comment: This sequence change creates a premature translational stop signal (p.Pro854Leufs*4) in the ABCB11 gene. It is expected to result in an absent or disrupted protein product. Loss-of-function variants in ABCB11 are known to be pathogenic (PMID: 18395098, 20232290). This variant is not present in population databases (gnomAD no frequency). For these reasons, this variant has been classified as Pathogenic. This variant has not been reported in the literature in individuals affected with ABCB11-related conditions.

Literature cited by the submitters: PubMed 18395098; PubMed 20232290.